The following is an entry in ClinVar:

NM_001378964.1(CDON):c.3367A>G (p.Lys1123Glu)

Gene: CDON (cell adhesion associated, oncogene regulated; minus strand). Cytogenetic location: 11q24.2.
Variant type: single nucleotide variant.
Coding change: c.3367A>G on transcript NM_001378964.1 (MANE Select); coding-DNA position 3367, A replaced by G.
Protein change: p.Lys1123Glu; replaces lysine 1123 with glutamic acid.
Molecular consequence: missense variant.
Genome position (GRCh38, 1-based): chr11:125,961,988, T>C on the plus strand (A>G on the coding strand, the complement: CDON is on the minus strand). VCF-style: chr11-125961988-T-C. GRCh37 (hg19) VCF-style: chr11-125831883-T-C.
Other names: c.3367A>G, p.Lys1123Glu (NM_001243597.3, NM_016952.6); short protein forms K1123E.
Identifiers: ClinVar variation 2012197 (VCV002012197.5), dbSNP rs1310572868, ClinGen allele CA383213658.
Genomic context (GRCh38, chr11:125,961,988, plus strand): 5'-GATAAGGTGCTACCACAGGGACCACAGGAGGAGGGCTGCTGCTGAAAGTGCTGTTGGTTT[T>C]GGTGAAACACCTGCAGAGGTTAAACCAAAAGAAACAGAATTGTGTCTAGAGGAACCAATA-3'
Protein context (NP_001365893.1, residues 1113-1133): NCRNNNRCFT[Lys1123Glu]TNSTFSSSPP

ClinVar aggregate classification (germline): Uncertain significance. Review status: criteria provided, multiple submitters, no conflicts (2 of 4 stars). 2 submissions from 2 submitters: Uncertain significance (2). Last evaluated 2024-08-20.

Conditions:
Holoprosencephaly 11 (HPE11). Identifiers: Orphanet 2162, MedGen C3280215, MONDO:0013642, OMIM 614226.
Inborn genetic diseases. Identifiers: MedGen C0950123, MeSH D030342.

Allele frequency attached by ClinVar (database versions not stated): gnomAD exomes below 0.00001; gnomAD 0.00002; TOPMed 0.00005.
gnomAD v4.1: 6 of 1,614,024 alleles (0.00037%); highest among the groups gnomAD compares: Admixed American, 0.0083%; no homozygotes.

Submissions (2):

Ambry Genetics
Classification: Uncertain significance for Inborn genetic diseases. Last evaluated: 2024-08-20. Review status: criteria provided, single submitter. Criteria: Ambry Variant Classification Scheme 2023. Collection method: clinical testing. Allele origin: germline.

Labcorp Genetics (formerly Invitae), Labcorp
Classification: Uncertain significance for Holoprosencephaly 11. Last evaluated: 2022-10-03. Review status: criteria provided, single submitter. Criteria: Invitae Variant Classification Sherloc (09022015). Collection method: clinical testing. Allele origin: germline.
Comment: This sequence change replaces lysine, which is basic and polar, with glutamic acid, which is acidic and polar, at codon 1123 of the CDON protein (p.Lys1123Glu). This variant is present in population databases (no rsID available, gnomAD 0.003%). This variant has not been reported in the literature in individuals affected with CDON-related conditions. Algorithms developed to predict the effect of missense changes on protein structure and function (SIFT, PolyPhen-2, Align-GVGD) all suggest that this variant is likely to be disruptive. In summary, the available evidence is currently insufficient to determine the role of this variant in disease. Therefore, it has been classified as a Variant of Uncertain Significance.